The following is an entry in ClinVar:

NM_032043.3(BRIP1):c.2493-3_2493-1del

Gene: BRIP1 (BRCA1 interacting DNA helicase 1; minus strand). Cytogenetic location: 17q23.2.
Variant type: Deletion.
Coding change: c.2493-3_2493-1del on transcript NM_032043.3 (MANE Select); 3 bases into the intron before coding-DNA position 2493 through the canonical splice acceptor site of the intron before coding-DNA position 2493, 3 bases deleted (TAG; older notation c.2493-3_2493-1delTAG).
Molecular consequence: splice acceptor variant.
Genome position (GRCh38, 1-based): chr17:61,693,513-61,693,515, CTA deleted on the plus strand (TAG on the coding strand, the reverse complement: BRIP1 is on the minus strand). VCF-style (leftmost placement, unchanged base first): chr17-61693512-TCTA-T. GRCh37 (hg19) VCF-style: chr17-59770873-TCTA-T.
Identifiers: ClinVar variation 2951469 (VCV002951469.3), dbSNP rs2544605175, ClinGen allele CA2740093826.

ClinVar aggregate classification (germline): Likely pathogenic (1 of 4 stars; one submission).

Conditions:
Familial cancer of breast. Also called: BREAST CANCER, FAMILIAL; hereditary breast carcinoma; Hereditary breast cancer. Identifiers: Orphanet 227535, MedGen C0346153, MONDO:0016419, OMIM 114480. Disease mechanism: loss of function.
Fanconi anemia complementation group J. Also called: BRIP1-Related Fanconi Anemia. Identifiers: Orphanet 84, MedGen C1836860, MONDO:0012187, OMIM 609054.

Submission:

Labcorp Genetics (formerly Invitae), Labcorp
Classification: Likely pathogenic for Familial cancer of breast; Fanconi anemia complementation group J. Last evaluated: 2023-08-31. Review status: criteria provided, single submitter. Criteria: Invitae Variant Classification Sherloc (09022015). Collection method: clinical testing. Allele origin: germline.
Comment: This sequence change affects a splice site in intron 17 of the BRIP1 gene. It is expected to disrupt RNA splicing. Variants that disrupt the donor or acceptor splice site typically lead to a loss of protein function (PMID: 16199547), and loss-of-function variants in BRIP1 are known to be pathogenic (PMID: 16116423, 17033622, 21964575). This variant is not present in population databases (gnomAD no frequency). This variant has not been reported in the literature in individuals affected with BRIP1-related conditions. Algorithms developed to predict the effect of sequence changes on RNA splicing suggest that this variant may disrupt the consensus splice site. In summary, the currently available evidence indicates that the variant is pathogenic, but additional data are needed to prove that conclusively. Therefore, this variant has been classified as Likely Pathogenic.

Literature cited by the submitters: PubMed 16199547; PubMed 16116423; PubMed 17033622; PubMed 21964575.